The following is an entry in ClinVar:

ClinVar aggregate classification (germline): Uncertain significance (1 of 4 stars; one submission).

Conditions:
Neurofibromatosis, type 1 (NF1). Also called: Neurofibromatosis, type I; Peripheral type neurofibromatosis; NEUROFIBROMATOSIS, TYPE I, SOMATIC; VON RECKLINGHAUSEN DISEASE. Identifiers: Orphanet 636, MedGen C0027831, MONDO:0018975, OMIM 162200. Disease mechanism: loss of function.

Submission:

Labcorp Genetics (formerly Invitae), Labcorp
Classification: Uncertain significance for Neurofibromatosis, type 1. Last evaluated: 2024-08-27. Review status: criteria provided, single submitter. Criteria: Invitae Variant Classification Sherloc (09022015). Collection method: clinical testing. Allele origin: germline.
Comment: This sequence change replaces arginine, which is basic and polar, with lysine, which is basic and polar, at codon 855 of the NF1 protein (p.Arg855Lys). This variant is not present in population databases (gnomAD no frequency). This variant has not been reported in the literature in individuals affected with NF1-related conditions. ClinVar contains an entry for this variant (Variation ID: 2004565). Invitae Evidence Modeling of protein sequence and biophysical properties (such as structural, functional, and spatial information, amino acid conservation, physicochemical variation, residue mobility, and thermodynamic stability) indicates that this missense variant is not expected to disrupt NF1 protein function with a negative predictive value of 95%. In summary, the available evidence is currently insufficient to determine the role of this variant in disease. Therefore, it has been classified as a Variant of Uncertain Significance.

NM_001042492.3(NF1):c.2564G>A (p.Arg855Lys)

Gene: NF1 (neurofibromin 1; plus strand). Cytogenetic location: 17q11.2.
Variant type: single nucleotide variant.
Coding change: c.2564G>A on transcript NM_001042492.3 (MANE Select); coding-DNA position 2564, G replaced by A.
Protein change: p.Arg855Lys; replaces arginine 855 with lysine.
Molecular consequence: missense variant.
Genome position (GRCh38, 1-based): chr17:31,229,179, G>A. VCF-style: chr17-31229179-G-A. GRCh37 (hg19) VCF-style: chr17-29556197-G-A.
Other names: c.2564G>A, p.Arg855Lys (NM_000267.4); short protein forms R855K.
Identifiers: ClinVar variation 2004565 (VCV002004565.4), dbSNP rs786203716, ClinGen allele CA398984312.